The following is an entry in ClinVar:

NM_004385.5(VCAN):c.6050C>T (p.Thr2017Ile)

Genes: VCAN (versican; plus strand), VCAN-AS1 (VCAN antisense RNA 1; minus strand). Cytogenetic location: 5q14.3.
Variant type: single nucleotide variant.
Coding change: c.6050C>T on transcript NM_004385.5 (MANE Select); coding-DNA position 6050, C replaced by T.
Protein change: p.Thr2017Ile; replaces threonine 2017 with isoleucine.
Molecular consequence: missense variant. On other transcripts: intron variant (2).
Genome position (GRCh38, 1-based): chr5:83,539,053, C>T. VCF-style: chr5-83539053-C-T. GRCh37 (hg19) VCF-style: chr5-82834872-C-T.
Other names: c.1043-6484C>T (NM_001126336.3); c.3089C>T, p.Thr1030Ile (NM_001164097.2); c.4004-6484C>T (NM_001164098.2); short protein forms T1030I, T2017I.
Identifiers: ClinVar variation 3664691 (VCV003664691.2).

ClinVar aggregate classification (germline): Uncertain significance (1 of 4 stars; one submission).

gnomAD v4.1: 2 of 1,613,878 alleles (0.00012%); highest among the groups gnomAD compares: South Asian, 0.0011%; no homozygotes.

Submission:

Labcorp Genetics (formerly Invitae), Labcorp
Classification: Uncertain significance. Last evaluated: 2025-08-18. Review status: criteria provided, single submitter. Criteria: Invitae Variant Classification Sherloc (09022015). Collection method: clinical testing. Allele origin: germline.
Comment: This sequence change replaces threonine, which is neutral and polar, with isoleucine, which is neutral and non-polar, at codon 2017 of the VCAN protein (p.Thr2017Ile). This variant is present in population databases (rs772914412, gnomAD 0.0009%). This variant has not been reported in the literature in individuals affected with VCAN-related conditions. ClinVar contains an entry for this variant (Variation ID: 3664691). An algorithm developed to predict the effect of missense changes on protein structure and function outputs the following: PolyPhen-2: "Benign". The isoleucine amino acid residue is found in multiple mammalian species, which suggests that this missense change does not adversely affect protein function. In summary, the available evidence is currently insufficient to determine the role of this variant in disease. Therefore, it has been classified as a Variant of Uncertain Significance.